The following is an entry in ClinVar:

ClinVar aggregate classification (germline): Pathogenic (1 of 4 stars; one submission).

Conditions:
Encephalopathy due to GLUT1 deficiency. Also called: GLUCOSE TRANSPORT DEFECT, BLOOD-BRAIN BARRIER; De Vivo disease; Glucose transporter protein syndrome; GLUT1 deficiency syndrome 1; GLUT1 deficiency syndrome 1, infantile onset, severe; Classic Glucose Transporter Type 1 Deficiency Syndrome. Identifiers: Orphanet 71277, MedGen C4551966, MONDO:0011724, OMIM 606777.

Submission:

Unidad de Genómica Garrahan, Hospital de Pediatría Garrahan
Classification: Pathogenic for Encephalopathy due to GLUT1 deficiency. Last evaluated: 2025-06-12. Review status: criteria provided, single submitter. Criteria: ACMG Guidelines, 2015. Collection method: clinical testing. Allele origin: de novo. Affected: yes. Observed: 1 variant allele.
Comment: PVS1_Very_Strong, PM2_Moderate, PM6_Moderate

NM_006516.4(SLC2A1):c.1100_1101insTT (p.Leu367_Ser368insTer)

Gene: SLC2A1 (solute carrier family 2 member 1; minus strand). Cytogenetic location: 1p34.2.
Variant type: Insertion.
Coding change: c.1100_1101insTT on transcript NM_006516.4 (MANE Select); coding-DNA positions 1100 to 1101, TT inserted.
Protein change: p.Leu367_Ser368insTer.
Molecular consequence: frameshift variant.
Genome position: GRCh38 VCF-style: chr1-42927782-C-CAA. GRCh37 (hg19) VCF-style: chr1-43393453-C-CAA.
Identifiers: ClinVar variation 4057318 (VCV004057318.1).
Genomic context (GRCh38, chr1:42,927,782, plus strand): 5'-TGGGATGGGGCCAGGACCCACTTCAAAGAAGGCCACAAAGCCAAAGATGGCCACGATGCT[C>CAA]AGATAGGACATCCAGGGTAGCTGCTCCTGTTGAGGATGACGGAGAGGGGGAAAAGTTAGA-3'